The following is an entry in ClinVar:

NM_172364.5(CACNA2D4):c.1192C>T (p.Gln398Ter)

Gene: CACNA2D4 (calcium voltage-gated channel auxiliary subunit alpha2delta 4; minus strand). Cytogenetic location: 12p13.33.
Variant type: single nucleotide variant.
Coding change: c.1192C>T on transcript NM_172364.5 (MANE Select); coding-DNA position 1192, C replaced by T.
Protein change: p.Gln398Ter; replaces glutamine 398 with a stop codon.
Molecular consequence: nonsense.
Genome position (GRCh38, 1-based): chr12:1,884,848, G>A on the plus strand (C>T on the coding strand, the complement: CACNA2D4 is on the minus strand). VCF-style: chr12-1884848-G-A. GRCh37 (hg19) VCF-style: chr12-1994014-G-A.
Other names: short protein forms Q398*.
Identifiers: ClinVar variation 1353680 (VCV001353680.7), dbSNP rs771755048, ClinGen allele CA6387229.

ClinVar aggregate classification (germline): Conflicting classifications of pathogenicity. Review status: criteria provided, conflicting classifications (1 of 4 stars). 2 submissions from 2 submitters: Likely pathogenic (1); Uncertain significance (1). Last evaluated 2025-06-17.

Conditions:
CACNA2D4-related disorder. Also called: CACNA2D4-related condition.

Allele frequency attached by ClinVar (database versions not stated): TOPMed below 0.00001; ExAC 0.00001; gnomAD 0.00001; gnomAD exomes 0.00001.
gnomAD v4.1: 11 of 1,613,758 alleles (0.00068%); highest among the groups gnomAD compares: Non-Finnish European, 0.00093%; no homozygotes.

Submissions (2):

Labcorp Genetics (formerly Invitae), Labcorp
Classification: Uncertain significance. Last evaluated: 2025-06-17. Review status: criteria provided, single submitter. Criteria: Invitae Variant Classification Sherloc (09022015). Collection method: clinical testing. Allele origin: germline.
Comment: This sequence change creates a premature translational stop signal (p.Gln398*) in the CACNA2D4 gene. It is expected to result in an absent or disrupted protein product. However, the current clinical and genetic evidence is not sufficient to establish whether loss-of-function variants in CACNA2D4 cause disease. This variant is present in population databases (rs771755048, gnomAD 0.0009%). This variant has not been reported in the literature in individuals affected with CACNA2D4-related conditions. ClinVar contains an entry for this variant (Variation ID: 1353680). In summary, the available evidence is currently insufficient to determine the role of this variant in disease. Therefore, it has been classified as a Variant of Uncertain Significance.

Blueprint Genetics
Classification: Likely pathogenic for CACNA2D4-related disorders. Last evaluated: 2022-11-09. Review status: criteria provided, single submitter. Criteria: ACMG Guidelines, 2015. Collection method: clinical testing. Allele origin: germline. Affected: yes. Observed: 2 variant alleles.